The following is an entry in ClinVar:

ClinVar aggregate classification (germline): Uncertain significance. Review status: criteria provided, multiple submitters, no conflicts (2 of 4 stars). 2 submissions from 2 submitters: Uncertain significance (2). Last evaluated 2024-10-31.

Conditions:
Familial adenomatous polyposis 1 (FAP1). Also called: FAMILIAL ADENOMATOUS POLYPOSIS 1, ATTENUATED; POLYPOSIS, ADENOMATOUS INTESTINAL. Identifiers: MedGen C2713442, MONDO:0021056, OMIM 175100. Disease mechanism: loss of function.
Hereditary cancer-predisposing syndrome. Also called: Neoplastic Syndromes, Hereditary; Tumor predisposition; Hereditary Cancer Syndrome; Hereditary neoplastic syndrome. Identifiers: Orphanet 140162, MedGen C0027672, MeSH D009386, MONDO:0015356.

Submissions (2):

Labcorp Genetics (formerly Invitae), Labcorp
Classification: Uncertain significance for Familial adenomatous polyposis 1. Last evaluated: 2024-10-31. Review status: criteria provided, single submitter. Criteria: Invitae Variant Classification Sherloc (09022015). Collection method: clinical testing. Allele origin: germline.
Comment: This sequence change replaces asparagine, which is neutral and polar, with histidine, which is basic and polar, at codon 30 of the APC protein (p.Asn30His). This variant is not present in population databases (gnomAD no frequency). This variant has not been reported in the literature in individuals affected with APC-related conditions. Invitae Evidence Modeling of protein sequence and biophysical properties (such as structural, functional, and spatial information, amino acid conservation, physicochemical variation, residue mobility, and thermodynamic stability) indicates that this missense variant is not expected to disrupt APC protein function with a negative predictive value of 95%. In summary, the available evidence is currently insufficient to determine the role of this variant in disease. Therefore, it has been classified as a Variant of Uncertain Significance.

Ambry Genetics
Classification: Uncertain significance for Hereditary cancer-predisposing syndrome. Last evaluated: 2024-09-14. Review status: criteria provided, single submitter. Criteria: Ambry Variant Classification Scheme 2023. Collection method: clinical testing. Allele origin: germline.
Comment: The p.N30H variant (also known as c.88A>C), located in coding exon 1 of the APC gene, results from an A to C substitution at nucleotide position 88. The asparagine at codon 30 is replaced by histidine, an amino acid with similar properties. This amino acid position is highly conserved in available vertebrate species. In addition, in silico predictors for this gene do not accurately predict pathogenicity. Missense alterations in APC are not a common cause of disease (Spier I et al. Genet Med. 2024 Feb;26(2):100992). Based on the available evidence, the clinical significance of this variant remains unclear.

NM_000038.6(APC):c.88A>C (p.Asn30His)

Gene: APC (APC regulator of Wnt signaling pathway; plus strand). Cytogenetic location: 5q22.2.
Variant type: single nucleotide variant.
Coding change: c.88A>C on transcript NM_000038.6 (MANE Select); coding-DNA position 88, A replaced by C.
Protein change: p.Asn30His; replaces asparagine 30 with histidine.
Molecular consequence: missense variant. On other transcripts: 5 prime UTR variant (4), non-coding transcript variant (2), intron variant (11).
Genome position (GRCh38, 1-based): chr5:112,754,978, A>C. VCF-style: chr5-112754978-A-C. GRCh37 (hg19) VCF-style: chr5-112090675-A-C.
Other names: c.88A>C, p.Asn30His (NM_001127510.3, NM_001354895.2, NM_001354896.2 and 16 more transcripts); c.-948A>C (NM_001354906.2, NM_001407470.1, NM_001407471.1 and 1 more transcripts); c.166-11348A>C (NM_001407446.1, NM_001354897.2, NM_001354902.2 and 1 more transcripts); c.-42-11348A>C (NM_001407453.1, NM_001354900.2, NM_001354901.2 and 1 more transcripts); c.61-11348A>C (NM_001407451.1, NM_001354898.2, NM_001354904.2); short protein forms N30H.
Identifiers: ClinVar variation 3410730 (VCV003410730.3).
Genomic context (GRCh38, chr5:112,754,978, plus strand): 5'-TTAAAGCAAGTTGAGGCACTGAAGATGGAGAACTCAAATCTTCGACAAGAGCTAGAAGAT[A>C]ATTCCAATCATCTTACAAAACTGGAAACTGAGGCATCTAATATGAAGGTATCAAGACTGT-3'
Protein context (NP_000029.2, residues 20-40): NSNLRQELED[Asn30His]SNHLTKLETE